The following is an entry in ClinVar:

NM_000343.4(SLC5A1):c.50T>C (p.Val17Ala)

Gene: SLC5A1 (solute carrier family 5 member 1; plus strand). Cytogenetic location: 22q12.3.
Variant type: single nucleotide variant.
Coding change: c.50T>C on transcript NM_000343.4 (MANE Select); coding-DNA position 50, T replaced by C.
Protein change: p.Val17Ala; replaces valine 17 with alanine.
Molecular consequence: missense variant.
Genome position (GRCh38, 1-based): chr22:32,043,331, T>C. VCF-style: chr22-32043331-T-C. GRCh37 (hg19) VCF-style: chr22-32439318-T-C.
Other names: short protein forms V17A.
Identifiers: ClinVar variation 789620 (VCV000789620.15), dbSNP rs33951240, ClinGen allele CA10197822.

ClinVar aggregate classification (germline): Benign. Review status: criteria provided, multiple submitters, no conflicts (2 of 4 stars). 3 submissions from 3 submitters: Benign (3). Last evaluated 2026-02-01.

Conditions:
Congenital glucose-galactose malabsorption (GGM). Also called: DIARRHEA 16; MONOSACCHARIDE MALABSORPTION. Identifiers: Orphanet 35710, MedGen C0268186, MONDO:0011731, OMIM 606824.

Allele frequency attached by ClinVar (database versions not stated): gnomAD exomes 0.00242; ExAC 0.00266; gnomAD 0.00735 and 0.00787; 1000 Genomes Project 0.00779; TOPMed 0.00821; 1000 Genomes Project 30x 0.00859; ESP Exome Variant Server 0.00907.
gnomAD v4.1: 2,690 of 1,614,198 alleles (0.17%); highest among the groups gnomAD compares: African/African-American, 2.4%; 32 homozygotes.

Submissions (3):

Labcorp Genetics (formerly Invitae), Labcorp
Classification: Benign for Congenital glucose-galactose malabsorption. Last evaluated: 2026-02-01. Review status: criteria provided, single submitter. Criteria: Invitae Variant Classification Sherloc (09022015). Collection method: clinical testing. Allele origin: germline.

Illumina Laboratory Services, Illumina
Classification: Benign for Congenital glucose-galactose malabsorption. Last evaluated: 2018-01-13. Review status: criteria provided, single submitter. Criteria: ICSL Variant Classification Criteria 13 December 2019. Collection method: clinical testing. Allele origin: germline.
Comment: This variant was observed in the ICSL laboratory as part of a predisposition screen in an ostensibly healthy population. It had not been previously curated by ICSL or reported in the Human Gene Mutation Database (HGMD: prior to June 1st, 2018), and was therefore a candidate for classification through an automated scoring system. Utilizing variant allele frequency, disease prevalence and penetrance estimates, and inheritance mode, an automated score was calculated to assess if this variant is too frequent to cause the disease. Based on the score and internal cut-off values, a variant classified as benign is not then subjected to further curation. The score for this variant resulted in a classification of benign for this disease.

Breakthrough Genomics
Classification: Benign. Review status: criteria provided, single submitter. Criteria: ACMG Guidelines, 2015. Collection method: not provided. Allele origin: germline. Inheritance: Autosomal recessive inheritance. Affected: yes.